The following is an entry in ClinVar:

ClinVar aggregate classification (germline): Uncertain significance. Review status: criteria provided, multiple submitters, no conflicts (2 of 4 stars). 2 submissions from 2 submitters: Uncertain significance (2). Last evaluated 2024-09-06.

gnomAD v4.1: 6 of 1,614,024 alleles (0.00037%); highest among the groups gnomAD compares: Middle Eastern, 0.033%; no homozygotes.

Submissions (2):

Women's Health and Genetics/Laboratory Corporation of America, LabCorp
Classification: Uncertain significance. Last evaluated: 2024-09-06. Review status: criteria provided, single submitter. Criteria: LabCorp Variant Classification Summary - May 2015. Collection method: clinical testing. Allele origin: germline.
Comment: Variant summary: ADGRG1 c.1983G>A (p.Met661Ile) results in a conservative amino acid change located in the GPCR, family 2-like, 7TM of the encoded protein sequence. Four of five in-silico tools predict a benign effect of the variant on protein function. The variant allele was found at a frequency of 8e-06 in 250148 control chromosomes. The available data on variant occurrences in the general population are insufficient to allow any conclusion about variant significance. To our knowledge, no occurrence of c.1983G>A in individuals affected with Polymicrogyria, Bilateral Frontoparietal and no experimental evidence demonstrating its impact on protein function have been reported. No submitters have cited clinical-significance assessments for this variant to ClinVar. Based on the evidence outlined above, the variant was classified as uncertain significance.

Mayo Clinic Laboratories, Mayo Clinic
Classification: Uncertain significance. Last evaluated: 2019-03-11. Review status: criteria provided, single submitter. Criteria: ACMG Guidelines, 2015. Collection method: clinical testing. Allele origin: germline. Observed: 1 variant allele.

NM_201525.4(ADGRG1):c.1965G>A (p.Met655Ile)

Gene: ADGRG1 (adhesion G protein-coupled receptor G1; plus strand). Cytogenetic location: 16q21.
Variant type: single nucleotide variant.
Coding change: c.1965G>A on transcript NM_201525.4 (MANE Select); coding-DNA position 1965, G replaced by A.
Protein change: p.Met655Ile; replaces methionine 655 with isoleucine.
Molecular consequence: missense variant.
Genome position (GRCh38, 1-based): chr16:57,663,483, G>A. VCF-style: chr16-57663483-G-A. GRCh37 (hg19) VCF-style: chr16-57697395-G-A.
Other names: p.Met661Ile; c.1965G>A, p.Met655Ile (NM_001145770.3, NM_001145772.3, NM_001145774.3 and 7 more transcripts); c.1983G>A, p.Met661Ile (NM_001145771.3, NM_001370428.1, NM_001370429.1 and 4 more transcripts); c.1980G>A, p.Met660Ile (NM_001145773.3, NM_001370433.1, NM_001370434.1); c.1473G>A, p.Met491Ile (NM_001290142.2); c.1458G>A, p.Met486Ile (NM_001290143.2); c.1440G>A, p.Met480Ile (NM_001290144.2, NM_001370451.1, NM_001370453.1 and 1 more transcripts); c.1962G>A, p.Met654Ile (NM_001370441.1); and 2 more; short protein forms M480I, M486I, M491I, M603I, M654I, M655I, M660I, M661I.
Identifiers: ClinVar variation 3375016 (VCV003375016.2).